The following is an entry in ClinVar:

ClinVar aggregate classification (germline): Conflicting classifications of pathogenicity. Review status: criteria provided, conflicting classifications (1 of 4 stars). 5 submissions from 5 submitters: Uncertain significance (4); Likely benign (1). Last evaluated 2026-05-27.

Conditions:
Inborn genetic diseases. Identifiers: MedGen C0950123, MeSH D030342.

Allele frequency attached by ClinVar (database versions not stated): ExAC 0.00006; ESP Exome Variant Server 0.00008; gnomAD 0.00009 and 0.00011; TOPMed 0.00022.
gnomAD v4.1: 155 of 1,610,412 alleles (0.0096%); highest among the groups gnomAD compares: Middle Eastern, 0.066%; no homozygotes.

Submissions (5):

GeneDx
Classification: Uncertain significance. Last evaluated: 2026-05-27. Review status: criteria provided, single submitter. Criteria: GeneDx Variant Classification Process June 2021. Collection method: clinical testing. Allele origin: germline.
Comment: In silico analysis supports that this missense variant has a deleterious effect on protein structure/function; Has not been previously published as pathogenic or benign to our knowledge

Labcorp Genetics (formerly Invitae), Labcorp
Classification: Uncertain significance. Last evaluated: 2025-01-28. Review status: criteria provided, single submitter. Criteria: Invitae Variant Classification Sherloc (09022015). Collection method: clinical testing. Allele origin: germline.
Comment: This sequence change replaces alanine, which is neutral and non-polar, with threonine, which is neutral and polar, at codon 99 of the SLC20A2 protein (p.Ala99Thr). This variant is present in population databases (rs149761291, gnomAD 0.009%). This variant has not been reported in the literature in individuals affected with SLC20A2-related conditions. ClinVar contains an entry for this variant (Variation ID: 1698061). Invitae Evidence Modeling of protein sequence and biophysical properties (such as structural, functional, and spatial information, amino acid conservation, physicochemical variation, residue mobility, and thermodynamic stability) has been performed for this missense variant. However, the output from this modeling did not meet the statistical confidence thresholds required to predict the impact of this variant on SLC20A2 protein function. In summary, the available evidence is currently insufficient to determine the role of this variant in disease. Therefore, it has been classified as a Variant of Uncertain Significance.

Blueprint Genetics
Classification: Likely benign. Last evaluated: 2024-10-09. Review status: criteria provided, single submitter. Criteria: ACMG Guidelines, 2015. Collection method: clinical testing. Allele origin: germline.

Ambry Genetics
Classification: Uncertain significance for Inborn genetic diseases. Last evaluated: 2024-05-13. Review status: criteria provided, single submitter. Criteria: Ambry Variant Classification Scheme 2023. Collection method: clinical testing. Allele origin: germline.

Women's Health and Genetics/Laboratory Corporation of America, LabCorp
Classification: Uncertain significance. Last evaluated: 2023-12-19. Review status: criteria provided, single submitter. Criteria: LabCorp Variant Classification Summary - May 2015. Collection method: clinical testing. Allele origin: germline.
Comment: Variant summary: SLC20A2 c.295G>A (p.Ala99Thr) results in a non-conservative amino acid change in the encoded protein sequence. Five of five in-silico tools predict a damaging effect of the variant on protein function. The variant allele was found at a frequency of 5.7e-05 in 247740 control chromosomes. This frequency does not allow for any conclusion about variant significance. To our knowledge, no occurrence of c.295G>A in individuals affected with Idiopathic Basal Ganglia Calcification 1 and no experimental evidence demonstrating its impact on protein function have been reported. One submitter has cited clinical-significance assessments for this variant to ClinVar after 2014 and has classified the variant as uncertain significance. Based on the evidence outlined above, the variant was classified as uncertain significance.

NM_001257180.2(SLC20A2):c.295G>A (p.Ala99Thr)

Gene: SLC20A2 (solute carrier family 20 member 2; minus strand). Cytogenetic location: 8p11.21.
Variant type: single nucleotide variant.
Coding change: c.295G>A on transcript NM_001257180.2 (MANE Select); coding-DNA position 295, G replaced by A.
Protein change: p.Ala99Thr; replaces alanine 99 with threonine.
Molecular consequence: missense variant.
Genome position (GRCh38, 1-based): chr8:42,465,912, C>T on the plus strand (G>A on the coding strand, the complement: SLC20A2 is on the minus strand). VCF-style: chr8-42465912-C-T. GRCh37 (hg19) VCF-style: chr8-42323430-C-T.
Other names: c.295G>A, p.Ala99Thr (NM_001257181.2, NM_006749.5); c.295G>A (NM_006749.3); short protein forms A99T.
Identifiers: ClinVar variation 1698061 (VCV001698061.10), dbSNP rs149761291, ClinGen allele CA4733608.
Genomic context (GRCh38, chr8:42,465,912, plus strand): 5'-CAATGCAGTGCGTTCCTGAGATTGGAAGCCTCAGGAAGGAAGCAATCAGCTGCCACACAG[C>T]GGAACCTACAGATTGAAGGACAAAAAACCATCAGATACAGAGTACAGAGGTGCAGACACC-3'
Protein context (NP_001244109.1, residues 89-109): AGEVSAMVGS[Ala99Thr]VWQLIASFLR